The following is an entry in ClinVar:

ClinVar aggregate classification (germline): Uncertain significance. Review status: criteria provided, multiple submitters, no conflicts (2 of 4 stars). 2 submissions from 2 submitters: Uncertain significance (2). Last evaluated 2025-05-13.

Conditions:
Inborn genetic diseases. Identifiers: MedGen C0950123, MeSH D030342.

Allele frequency attached by ClinVar (database versions not stated): TOPMed 0.00002.
gnomAD v4.1: 1 of 1,613,836 alleles (0.000062%); highest among the groups gnomAD compares: Non-Finnish European, 0.000085%; no homozygotes.

Submissions (2):

Ambry Genetics
Classification: Uncertain significance for Inborn genetic diseases. Last evaluated: 2025-05-13. Review status: criteria provided, single submitter. Criteria: Ambry Variant Classification Scheme 2023. Collection method: clinical testing. Allele origin: germline.

Labcorp Genetics (formerly Invitae), Labcorp
Classification: Uncertain significance. Last evaluated: 2022-06-01. Review status: criteria provided, single submitter. Criteria: Invitae Variant Classification Sherloc (09022015). Collection method: clinical testing. Allele origin: germline.
Comment: This variant is not present in population databases (gnomAD no frequency). This sequence change replaces histidine, which is basic and polar, with glutamine, which is neutral and polar, at codon 2172 of the CACNA1E protein (p.His2172Gln). In summary, the available evidence is currently insufficient to determine the role of this variant in disease. Therefore, it has been classified as a Variant of Uncertain Significance. Advanced modeling of protein sequence and biophysical properties (such as structural, functional, and spatial information, amino acid conservation, physicochemical variation, residue mobility, and thermodynamic stability) performed at Invitae indicates that this missense variant is not expected to disrupt CACNA1E protein function. This variant has not been reported in the literature in individuals affected with CACNA1E-related conditions.

NM_001205293.3(CACNA1E):c.6645C>A (p.His2215Gln)

Gene: CACNA1E (calcium voltage-gated channel subunit alpha1 E; plus strand). Cytogenetic location: 1q25.3.
Variant type: single nucleotide variant.
Coding change: c.6645C>A on transcript NM_001205293.3 (MANE Select); coding-DNA position 6645, C replaced by A.
Protein change: p.His2215Gln; replaces histidine 2215 with glutamine.
Molecular consequence: missense variant.
Genome position (GRCh38, 1-based): chr1:181,798,537, C>A. VCF-style: chr1-181798537-C-A. GRCh37 (hg19) VCF-style: chr1-181767673-C-A.
Other names: c.6516C>A, p.His2172Gln (NM_000721.4); c.6459C>A, p.His2153Gln (NM_001205294.2); c.6645C>A (NM_001205293.1); short protein forms H2215Q, H2172Q, H2153Q.
Identifiers: ClinVar variation 2001718 (VCV002001718.5), dbSNP rs760207202, ClinGen allele CA34197642.